The following is an entry in ClinVar:

ClinVar aggregate classification (germline): Uncertain significance (1 of 4 stars; one submission).

Conditions:
MRAP2-related disorder. Also called: MRAP2-related condition.

gnomAD v4.1: 1 of 1,614,116 alleles (0.000062%); highest among the groups gnomAD compares: African/African-American, 0.0013%; no homozygotes.

Submission:

PreventionGenetics, part of Exact Sciences
Classification: Uncertain significance for MRAP2-related condition. Last evaluated: 2024-12-05. Review status: criteria provided, single submitter. Criteria: ACMG Guidelines, 2015. Collection method: clinical testing. Allele origin: germline.
Comment: The MRAP2 c.401A>G variant is predicted to result in the amino acid substitution p.Gln134Arg. To our knowledge, this variant has not been reported in the literature or in a large population database (gnomAD), indicating this variant is rare. At this time, the clinical significance of this variant is uncertain due to the absence of conclusive functional and genetic evidence.

NM_138409.4(MRAP2):c.401A>G (p.Gln134Arg)

Gene: MRAP2 (melanocortin 2 receptor accessory protein 2; plus strand). Cytogenetic location: 6q14.2.
Variant type: single nucleotide variant.
Coding change: c.401A>G on transcript NM_138409.4 (MANE Select); coding-DNA position 401, A replaced by G.
Protein change: p.Gln134Arg; replaces glutamine 134 with arginine.
Molecular consequence: missense variant.
Genome position (GRCh38, 1-based): chr6:84,089,264, A>G. VCF-style: chr6-84089264-A-G. GRCh37 (hg19) VCF-style: chr6-84798983-A-G.
Other names: c.143A>G, p.Gln48Arg (NM_001346541.2); c.401A>G, p.Gln134Arg (NM_001346542.2, NM_001346544.2); c.236A>G, p.Gln79Arg (NM_001346543.2); short protein forms Q48R, Q134R, Q79R.
Identifiers: ClinVar variation 5001860 (VCV005001860.1).